The following is an entry in ClinVar:

NM_001270508.2(TNFAIP3):c.406del (p.Arg136fs)

Gene: TNFAIP3 (TNF alpha induced protein 3; plus strand). Cytogenetic location: 6q23.3.
Variant type: Deletion.
Coding change: c.406del on transcript NM_001270508.2 (MANE Select); coding-DNA position 406, one base deleted (C; older notation c.406delC).
Protein change: p.Arg136fs; shifts the reading frame from arginine 136.
Molecular consequence: frameshift variant.
Genome position (GRCh38, 1-based): chr6:137,874,955, C deleted. VCF-style (leftmost placement, unchanged base first): chr6-137874954-AC-A. GRCh37 (hg19) VCF-style: chr6-138196091-AC-A.
Other names: c.406del, p.Arg136fs (NM_001270507.2, NM_006290.4); short protein forms R136fs.
Identifiers: ClinVar variation 4720845 (VCV004720845.1).
Genomic context (GRCh38, chr6:137,874,954, plus strand): 5'-TCAGGACACAGACTTGGTACTGAGGAAGGCGCTGTTCAGCACGCTCAAGGAAACAGACAC[AC>A]GCAACTTTAAATTCCGCTGGCAACTGGAGTCTCTCAAATCTCAGGAATTTGTTGAAACGG-3'

ClinVar aggregate classification (germline): Pathogenic (1 of 4 stars; one submission).

Submission:

Labcorp Genetics (formerly Invitae), Labcorp
Classification: Pathogenic. Last evaluated: 2025-06-05. Review status: criteria provided, single submitter. Criteria: Invitae Variant Classification Sherloc (09022015). Collection method: clinical testing. Allele origin: germline.
Comment: This sequence change creates a premature translational stop signal (p.Arg136Alafs*80) in the TNFAIP3 gene. It is expected to result in an absent or disrupted protein product. Loss-of-function variants in TNFAIP3 are known to be pathogenic (PMID: 26642243). This variant is not present in population databases (gnomAD no frequency). This variant has not been reported in the literature in individuals affected with TNFAIP3-related conditions. For these reasons, this variant has been classified as Pathogenic.

Literature cited by the submitters: PubMed 26642243.